The following is an entry in ClinVar:

NM_003797.5(EED):c.380A>G (p.His127Arg)

Gene: EED (embryonic ectoderm development; plus strand). Cytogenetic location: 11q14.2.
Variant type: single nucleotide variant.
Coding change: c.380A>G on transcript NM_003797.5 (MANE Select); coding-DNA position 380, A replaced by G.
Protein change: p.His127Arg; replaces histidine 127 with arginine.
Molecular consequence: missense variant.
Genome position (GRCh38, 1-based): chr11:86,255,241, A>G. VCF-style: chr11-86255241-A-G. GRCh37 (hg19) VCF-style: chr11-85966283-A-G.
Other names: c.380A>G, p.His127Arg (NM_001308007.2, NM_001330334.2); short protein forms H127R.
Identifiers: ClinVar variation 1712682 (VCV001712682.3), dbSNP rs2495794638, ClinGen allele CA382003752.

ClinVar aggregate classification (germline): Uncertain significance (1 of 4 stars; one submission).

Submission:

GeneDx
Classification: Uncertain significance. Last evaluated: 2023-02-17. Review status: criteria provided, single submitter. Criteria: GeneDx Variant Classification Process June 2021. Collection method: clinical testing. Allele origin: germline.
Comment: Not observed at significant frequency in large population cohorts (gnomAD); In silico analysis supports that this missense variant does not alter protein structure/function; Has not been previously published as pathogenic or benign to our knowledge